The following is an entry in ClinVar:

ClinVar aggregate classification (germline): Likely benign (0 of 4 stars; one submission).

Conditions:
BSN-related disorder. Also called: BSN-related condition.

Allele frequency attached by ClinVar (database versions not stated): 1000 Genomes Project 0.00060; ESP Exome Variant Server 0.00069; 1000 Genomes Project 30x 0.00078; ExAC 0.00117; gnomAD 0.00142; gnomAD exomes 0.00156.
gnomAD v4.1: 2,466 of 1,596,360 alleles (0.15%); highest among the groups gnomAD compares: Middle Eastern, 0.37%; 2 homozygotes.

Submission:

PreventionGenetics, part of Exact Sciences
Classification: Likely benign for BSN-related condition. Last evaluated: 2022-06-16. Review status: no assertion criteria provided. Collection method: clinical testing. Allele origin: germline.
Comment: This variant is classified as likely benign based on ACMG/AMP sequence variant interpretation guidelines (Richards et al. 2015 PMID: 25741868, with internal and published modifications).

NM_003458.4(BSN):c.383C>T (p.Thr128Met)

Gene: BSN (bassoon presynaptic cytomatrix protein; plus strand). Cytogenetic location: 3p21.31.
Variant type: single nucleotide variant.
Coding change: c.383C>T on transcript NM_003458.4 (MANE Select); coding-DNA position 383, C replaced by T.
Protein change: p.Thr128Met; replaces threonine 128 with methionine.
Molecular consequence: missense variant.
Genome position (GRCh38, 1-based): chr3:49,625,133, C>T. VCF-style: chr3-49625133-C-T. GRCh37 (hg19) VCF-style: chr3-49662566-C-T.
Other names: short protein forms T128M.
Identifiers: ClinVar variation 3039345 (VCV003039345.2), dbSNP rs140421176, ClinGen allele CA2399397.